The following is an entry in ClinVar:

ClinVar aggregate classification (germline): Uncertain significance. Review status: criteria provided, multiple submitters, no conflicts (2 of 4 stars). 2 submissions from 2 submitters: Uncertain significance (2). Last evaluated 2022-12-09.

Allele frequency attached by ClinVar (database versions not stated): gnomAD exomes 0.00001; gnomAD 0.00001; TOPMed 0.00001.
gnomAD v4.1: 4 of 1,602,658 alleles (0.00025%); highest among the groups gnomAD compares: Admixed American, 0.0069%; no homozygotes.

Submissions (2):

Labcorp Genetics (formerly Invitae), Labcorp
Classification: Uncertain significance. Last evaluated: 2022-12-09. Review status: criteria provided, single submitter. Criteria: Invitae Variant Classification Sherloc (09022015). Collection method: clinical testing. Allele origin: germline.
Comment: Advanced modeling of protein sequence and biophysical properties (such as structural, functional, and spatial information, amino acid conservation, physicochemical variation, residue mobility, and thermodynamic stability) performed at Invitae indicates that this missense variant is not expected to disrupt GNB3 protein function. In summary, the available evidence is currently insufficient to determine the role of this variant in disease. Therefore, it has been classified as a Variant of Uncertain Significance. This variant has not been reported in the literature in individuals affected with GNB3-related conditions. This variant is present in population databases (no rsID available, gnomAD 0.01%). This sequence change replaces aspartic acid, which is acidic and polar, with asparagine, which is neutral and polar, at codon 323 of the GNB3 protein (p.Asp323Asn).

Blueprint Genetics
Classification: Uncertain significance. Last evaluated: 2019-08-06. Review status: criteria provided, single submitter. Criteria: ACMG Guidelines, 2015. Collection method: clinical testing. Allele origin: germline.

NM_002075.4(GNB3):c.967G>A (p.Asp323Asn)

Genes: CDCA3 (cell division cycle associated 3; minus strand), GNB3 (G protein subunit beta 3; plus strand). Cytogenetic location: 12p13.31.
Variant type: single nucleotide variant.
Coding change: c.967G>A on transcript NM_002075.4 (MANE Select); coding-DNA position 967, G replaced by A.
Protein change: p.Asp323Asn; replaces aspartic acid 323 with asparagine.
Molecular consequence: missense variant. On other transcripts: synonymous variant (1).
Genome position (GRCh38, 1-based): chr12:6,846,842, G>A. VCF-style: chr12-6846842-G-A. GRCh37 (hg19) VCF-style: chr12-6956006-G-A.
Other names: c.964G>A, p.Asp322Asn (NM_001297571.2); c.606C>T, p.Val202= (NM_001297603.3); short protein forms D322N, D323N.
Identifiers: ClinVar variation 2800861 (VCV002800861.4), dbSNP rs1283595120, ClinGen allele CA383676209.